The following is an entry in ClinVar:

NM_015175.3(NBEAL2):c.5907A>G (p.Pro1969=)

Gene: NBEAL2 (neurobeachin like 2; plus strand). Cytogenetic location: 3p21.31.
Variant type: single nucleotide variant.
Coding change: c.5907A>G on transcript NM_015175.3 (MANE Select); coding-DNA position 5907, A replaced by G.
Protein change: p.Pro1969=; no amino-acid change (proline 1969 retained).
Molecular consequence: synonymous variant.
Genome position (GRCh38, 1-based): chr3:47,004,102, A>G. VCF-style: chr3-47004102-A-G. GRCh37 (hg19) VCF-style: chr3-47045592-A-G.
Other names: c.5805A>G, p.Pro1935= (NM_001365116.2).
Identifiers: ClinVar variation 3234205 (VCV003234205.20), dbSNP rs545141990, ClinGen allele CA2361714.

ClinVar aggregate classification (germline): Likely benign (1 of 4 stars; one submission).

Allele frequency attached by ClinVar (database versions not stated): TOPMed 0.00002; gnomAD 0.00005; 1000 Genomes Project 0.00020; 1000 Genomes Project 30x 0.00031.

Submission:

CeGaT Center for Human Genetics Tuebingen
Classification: Likely benign. Last evaluated: 2024-04-01. Review status: criteria provided, single submitter. Criteria: CeGaT Center For Human Genetics Tuebingen Variant Classification Criteria Version 2. Collection method: clinical testing. Allele origin: germline. Affected: yes. Observed: 1 variant allele.
Comment: NBEAL2: BP4, BP7